The following continues an entry in ClinVar:

NM_000138.5(FBN1):c.4588C>T (p.Arg1530Cys)

Gene: FBN1. ClinVar aggregate classification (germline): Pathogenic/Likely pathogenic. Pathogenic (15); Likely pathogenic (4).

Submissions 10 to 20 of 20:

Ambry Genetics
Classification: Pathogenic for Familial thoracic aortic aneurysm and aortic dissection. Last evaluated: 2022-01-06. Review status: criteria provided, single submitter. Criteria: Ambry Variant Classification Scheme 2023. Collection method: clinical testing. Allele origin: germline.
Comment: The p.R1530C pathogenic mutation (also known as c.4588C>T), located in coding exon 37 of the FBN1 gene, results from a C to T substitution at nucleotide position 4588. The arginine at codon 1530 is replaced by cysteine, an amino acid with highly dissimilar properties. The majority of FBN1 mutations identified to date have involved the substitution or generation of cysteine residues within cbEGF domains (Vollbrandt T et al. J Biol Chem. 2004;279(31):32924-32931). This pathogenic mutation has been identified in multiple individuals with ectopia lentis (EL); some of these individuals also met Ghent criteria while some did not (Loeys B et al. Arch Intern Med. 2001;161(20):2447-54; Biggin A et al. Hum Mutat. 2004;23(1):99; Jin C et al. Mol Vis. 2007;13:1280-4; Aragon-Martin JA et al. Hum Mutat. 2010;31(8):E1622-31; Vanem TT et al. Am J Med Genet A. 2020 02;182(2):397-408). This mutation was found to co-segregate with disease in two unrelated families (Rand-Hendriksen S et al. Am J Med Genet A. 2007;143A(17):1968-77; Mannucci L et al. Clin Chim Acta. 2020 Feb;501:154-164; Villamizar C et al. Eur J Med Genet. 2010; 53(2):80-4). This variant is considered to be rare based on population cohorts in the Genome Aggregation Database (gnomAD). Based on the supporting evidence, this alteration is interpreted as a disease-causing mutation.

Human Genetics Bochum, Ruhr University Bochum
Classification: Likely pathogenic for Marfan syndrome. Last evaluated: 2021-11-17. Review status: criteria provided, single submitter. Criteria: ACMG Guidelines, 2015. Collection method: clinical testing. Allele origin: germline. Affected: yes.
Comment: ACMG criteria used to clasify this variant: PP3, PS4, PM2, PM5, PP1, PP2

CeGaT Center for Human Genetics Tuebingen
Classification: Pathogenic. Last evaluated: 2021-11-01. Review status: criteria provided, single submitter. Criteria: CeGaT Center For Human Genetics Tuebingen Variant Classification Criteria Version 2. Collection method: clinical testing. Allele origin: germline. Affected: yes. Observed: 1 variant allele.

Centre of Medical Genetics, University of Antwerp
Classification: Likely pathogenic for Marfan syndrome. Last evaluated: 2021-03-01. Review status: criteria provided, single submitter. Criteria: Submitter's publication. Collection method: research. Allele origin: unknown. Affected: yes. Observed: 3 variant alleles.
Comment: PM2, PS1, PP4

ARUP Laboratories, Molecular Genetics and Genomics, ARUP Laboratories
Classification: Pathogenic. Last evaluated: 2020-03-26. Review status: criteria provided, single submitter. Criteria: ARUP Molecular Germline Variant Investigation Process. Collection method: clinical testing. Allele origin: germline.
Comment: The FBN1 c.4588C>T, p.Arg1530Cys variant (rs111401431) has been reported in multiple individuals with Marfan syndrome or Marfan-like symptoms such as ectopia lentis and aortic dissection (Aragon-Martin 2010, Biggin 2004, Howarth 2007, Jin 2007, Loeys 2001, Rand-Hendriksen 2007, Tjeldhorn 2006, Villamizar 2010, Wang 2013, Yoo 2010). It is listed as pathogenic in ClinVar (Variation ID: 36078), and not observed in the general population databases. The variant creates a novel cysteine residue in the FBN1 protein, which is considered causal for Marfan syndrome according to the revised Ghent nosology (Loeys 2010). Based on the above information, the p.Arg1530Cys variant is classified as pathogenic. References: Aragon-Martin J et al. Role of ADAMTSL4 mutations in FBN1 mutation-negative ectopia lentis patients. Hum Mutat. 2010; 31(8):E1622-31. Biggin A et al. Detection of thirty novel FBN1 mutations in patients with Marfan syndrome or a related fibrillinopathy. Hum Mutat. 2004; 23(1):99. Howarth R et al. Application of dHPLC for mutation detection of the fibrillin-1 gene for the diagnosis of Marfan syndrome in a National Health Service Laboratory. Genet Test. 2007; 11(2):146-52. Jin C et al. Novel FBN1 mutations associated with predominant ectopia lentis and marfanoid habitus in Chinese patients. Mol Vis. 2007; 13:1280-4. Loeys B et al. Genotype and phenotype analysis of 171 patients referred for molecular study of the fibrillin-1 gene FBN1 because of suspected Marfan syndrome. Arch Intern Med. 2001; 2001 Nov 12;161(20):2447-54. Loeys B et al. The revised Ghent nosology for the Marfan syndrome. J Med Genet. 2010; 47(7):476-85. Rand-Hendriksen S et al. Search for correlations between FBN1 genotype and complete Ghent phenotype in 44 unrelated Norwegian patients with Marfan syndrome. Am J Med Genet A. 2007; 143A(17):1968-77. Tjeldhorn L et al. Rapid and efficient FBN1 mutation detection using automated sample preparation and direct sequencing as the primary strategy. Genet Test. 2006; 10(4):258-64. Villamizar C et al. Paucity of skeletal manifestations in Hispanic families with FBN1 mutations. Eur J Med Genet. 2010; 53(2):80-4. Wang W et al. Exon 47 skipping of fibrillin-1 leads preferentially to cardiovascular defects in patients with thoracic aortic aneurysms and dissections. J Mol Med (Berl). 2013; 91(1):37-47. Yoo E et al. Clinical and genetic analysis of Korean patients with Marfan syndrome: possible ethnic differences in clinical manifestation. Clin Genet. 2010; 77(2):177-82.

SIB Swiss Institute of Bioinformatics
Classification: Likely pathogenic for Marfan syndrome. Last evaluated: 2018-05-31. Review status: criteria provided, single submitter. Criteria: ACMG Guidelines, 2015. Collection method: curation. Allele origin: unknown.
Comment: This variant is interpreted as a Likely Pathogenic, for Marfan syndrome, in Autosomal Dominant manner. The following ACMG Tag(s) were applied: PP1 => Cosegregation with disease in multiple affected family members in a gene definitively known to cause the disease (PMID:19941982). PM2 => Absent from controls (or at extremely low frequency if recessive) in Exome Sequencing Project, 1000 Genomes Project, or Exome Aggregation Consortium. PS4-Moderate => PS4 downgraded in strength to Moderate. Observed in several unrelated affected individuals and absent from population databases (ExAC and gnomAD) (PMID:11700157) (PMID:17663468) (PMID:14695540) (PMID:17679947) (PMID:19941982). PP3-Moderate => PP3 upgraded in strength to Moderate. Mutation creates a cystein residue. The majority of FBN1 mutations involve substitution or creation of cystein residues.

Fulgent Genetics
Classification: Pathogenic for Acromicric dysplasia; Ectopia lentis 1, isolated, autosomal dominant; Marfan syndrome; Stiff skin syndrome; MASS syndrome; Weill-Marchesani syndrome 2, dominant; Geleophysic dysplasia 2; Progeroid and marfanoid aspect-lipodystrophy syndrome. Last evaluated: 2017-05-18. Review status: criteria provided, single submitter. Criteria: ACMG Guidelines, 2015. Collection method: clinical testing. Allele origin: unknown.

Eurofins Ntd Llc (ga)
Classification: Pathogenic. Last evaluated: 2015-06-19. Review status: criteria provided, single submitter. Criteria: EGL Classification Definitions 2015. Collection method: clinical testing. Allele origin: germline. Observed: 1 variant allele, 1 heterozygote.

Laboratory for Molecular Medicine, Mass General Brigham Personalized Medicine
Classification: Pathogenic for Marfan syndrome. Last evaluated: 2008-01-17. Review status: criteria provided, single submitter. Criteria: LMM Criteria. Collection method: clinical testing. Allele origin: germline. Observed: 1 variant allele.

Juno Genomics, Hangzhou Juno Genomics, Inc
Classification: Pathogenic for Marfan syndrome. Review status: criteria provided, single submitter. Criteria: ACMG Guidelines, 2015. Collection method: clinical testing. Allele origin: germline.
Comment: Absent from controls (or at extremely low frequency if recessive) in Genome Aggregation Database.;Missense variant in a gene that has a low rate of benign missense variation.;Multiple lines of computational evidence support a deleterious effect on the gene or gene product.;The prevalence of the variant in affected individuals is significantly increased compared to the prevalence in controls.;Co-segregation with disease in multiple affected family members.;Patient's phenotype or family history is highly specific for a disease with a single genetic etiology.

Center for Medical Genetics Ghent, University of Ghent
Classification: Likely pathogenic for Marfan syndrome. Last evaluated: 2017-11-07. Review status: no assertion criteria provided. Collection method: clinical testing. Allele origin: germline. Affected: yes. Not counted in ClinVar's aggregate classification.

Literature cited by the submitters: PubMed 11700157 (cited by 7 submitters); PubMed 14695540 (cited by 6 submitters); PubMed 17253931 (cited by 4 submitters); PubMed 17627385 (cited by 4 submitters); PubMed 17663468 (cited by 6 submitters); PubMed 17679947 (cited by 7 submitters); PubMed 19863550 (cited by 3 submitters); PubMed 15161917 (cited by All of Us Research Program, National Institutes of Health); PubMed 16571647 (cited by All of Us Research Program, National Institutes of Health); PubMed 17701892 (cited by All of Us Research Program, National Institutes of Health); PubMed 19941982 (cited by 5 submitters); PubMed 20564469 (cited by 4 submitters); PubMed 22772377 (cited by All of Us Research Program, National Institutes of Health); PubMed 24161884 (cited by All of Us Research Program, National Institutes of Health and Mayo Clinic Laboratories, Mayo Clinic); PubMed 24698609 (cited by All of Us Research Program, National Institutes of Health and Mayo Clinic Laboratories, Mayo Clinic); PubMed 24793577 (cited by All of Us Research Program, National Institutes of Health); PubMed 25652356 (cited by All of Us Research Program, National Institutes of Health); PubMed 25907466 (cited by All of Us Research Program, National Institutes of Health); PubMed 28550590 (cited by All of Us Research Program, National Institutes of Health); PubMed 28941062 (cited by All of Us Research Program, National Institutes of Health); PubMed 29198452 (cited by All of Us Research Program, National Institutes of Health); PubMed 29357934 (cited by All of Us Research Program, National Institutes of Health); PubMed 29768367 (cited by All of Us Research Program, National Institutes of Health); PubMed 30393980 (cited by All of Us Research Program, National Institutes of Health); PubMed 30838813 (cited by All of Us Research Program, National Institutes of Health and Ambry Genetics); PubMed 31098894 (cited by All of Us Research Program, National Institutes of Health and Ambry Genetics); PubMed 31536524 (cited by All of Us Research Program, National Institutes of Health); PubMed 31730815 (cited by 3 submitters); PubMed 31825148 (cited by 3 submitters); PubMed 36729443 (cited by All of Us Research Program, National Institutes of Health and Mayo Clinic Laboratories, Mayo Clinic); PubMed 38190127 (cited by All of Us Research Program, National Institutes of Health); PubMed 34281902 (cited by Mayo Clinic Laboratories, Mayo Clinic); PubMed 35058154 (cited by Mayo Clinic Laboratories, Mayo Clinic); PubMed 12938084 (cited by Women's Health and Genetics/Laboratory Corporation of America, LabCorp); PubMed 15054843 (cited by Women's Health and Genetics/Laboratory Corporation of America, LabCorp and Laboratory for Molecular Medicine, Mass General Brigham Personalized Medicine); PubMed 16971892 (cited by Women's Health and Genetics/Laboratory Corporation of America, LabCorp); PubMed 18087243 (cited by Women's Health and Genetics/Laboratory Corporation of America, LabCorp); PubMed 16342915 (cited by Women's Health and Genetics/Laboratory Corporation of America, LabCorp); PubMed 18615205 (cited by Women's Health and Genetics/Laboratory Corporation of America, LabCorp); PubMed 15880509 (cited by Women's Health and Genetics/Laboratory Corporation of America, LabCorp); PubMed 15062093 (cited by Ambry Genetics); PubMed 23794388 (cited by Ambry Genetics).